The following is an entry in ClinVar:

ClinVar aggregate classification (germline): Likely benign. Review status: criteria provided, multiple submitters, no conflicts (2 of 4 stars). 2 submissions from 2 submitters: Likely benign (2). Last evaluated 2025-12-01.

Allele frequency attached by ClinVar (database versions not stated): ExAC 0.00043; gnomAD exomes 0.00051 and 0.00097; gnomAD 0.00064 and 0.00066; TOPMed 0.00065; ESP Exome Variant Server 0.00085.
gnomAD v4.1: 1,482 of 1,609,202 alleles (0.092%); highest among the groups gnomAD compares: Non-Finnish European, 0.12%; 1 homozygote.

Submissions (2):

CeGaT Center for Human Genetics Tuebingen
Classification: Likely benign. Last evaluated: 2025-12-01. Review status: criteria provided, single submitter. Criteria: CeGaT Center For Human Genetics Tuebingen Variant Classification Criteria Version 2. Collection method: clinical testing. Allele origin: germline. Affected: yes. Observed: 1 variant allele.
Comment: P4HA2: BP4, BP7

Labcorp Genetics (formerly Invitae), Labcorp
Classification: Likely benign. Last evaluated: 2018-07-06. Review status: criteria provided, single submitter. Criteria: Invitae Variant Classification Sherloc (09022015). Collection method: clinical testing. Allele origin: germline.

NM_001017974.2(P4HA2):c.1230A>G (p.Val410=)

Gene: P4HA2 (prolyl 4-hydroxylase subunit alpha 2; minus strand). Cytogenetic location: 5q31.1.
Variant type: single nucleotide variant.
Coding change: c.1230A>G on transcript NM_001017974.2 (MANE Select); coding-DNA position 1230, A replaced by G.
Protein change: p.Val410=; no amino-acid change (valine 410 retained).
Molecular consequence: synonymous variant.
Genome position (GRCh38, 1-based): chr5:132,203,769, T>C on the plus strand (A>G on the coding strand, the complement: P4HA2 is on the minus strand). VCF-style: chr5-132203769-T-C. GRCh37 (hg19) VCF-style: chr5-131539462-T-C.
Other names: c.1230A>G, p.Val410= (NM_001142598.2, NM_001142599.2, NM_001365677.2 and 4 more transcripts); c.1053A>G, p.Val351= (NM_001365681.2).
Identifiers: ClinVar variation 731435 (VCV000731435.8), dbSNP rs144253110, ClinGen allele CA3402489.